The following is an entry in ClinVar:

NM_024675.4(PALB2):c.2585del (p.Lys862fs)

Gene: PALB2 (partner and localizer of BRCA2; minus strand). Cytogenetic location: 16p12.2.
Variant type: Deletion.
Coding change: c.2585del on transcript NM_024675.4 (MANE Select); coding-DNA position 2585, one base deleted (A; older notation c.2585delA).
Protein change: p.Lys862fs; shifts the reading frame from lysine 862.
Molecular consequence: frameshift variant.
Genome position (GRCh38, 1-based): chr16:23,629,205, T deleted on the plus strand (A on the coding strand, the reverse complement: PALB2 is on the minus strand); the first of 3 consecutive T bases (chr16:23,629,205-23,629,207); deleting any one gives the same sequence. VCF-style (leftmost placement, unchanged base first): chr16-23629204-CT-C. GRCh37 (hg19) VCF-style: chr16-23640525-CT-C.
Other names: c.2585delA (NM_024675.3, NM_024675.4); short protein forms K862fs.
Identifiers: ClinVar variation 1076548 (VCV001076548.12), dbSNP rs752513498, ClinGen allele CA7963538.
Genomic context (GRCh38, chr16:23,629,204, plus strand): 5'-CAGTTCATTAAAGTTTTCATATGTAAGACACGAGACACTGGAAGAGAATATTCTTCTGAC[CT>C]TTAACTCTGAAACCAATTGTAGGTTGCCTGGGTTTATGCTATCAGAAGCAGGAAGCTCTG-3'

ClinVar aggregate classification (germline): Pathogenic/Likely pathogenic. Review status: criteria provided, multiple submitters, no conflicts (2 of 4 stars). 4 submissions from 4 submitters: Pathogenic (3); Likely pathogenic (1). Last evaluated 2024-04-22.

Conditions:
Familial cancer of breast. Also called: hereditary breast carcinoma; Hereditary breast cancer; BREAST CANCER, FAMILIAL. Identifiers: Orphanet 227535, MedGen C0346153, MONDO:0016419, OMIM 114480. Disease mechanism: loss of function.
Hereditary cancer-predisposing syndrome. Also called: Tumor predisposition; Hereditary neoplastic syndrome; Neoplastic Syndromes, Hereditary; Hereditary Cancer Syndrome. Identifiers: Orphanet 140162, MedGen C0027672, MeSH D009386, MONDO:0015356.

Submissions (4):

Labcorp Genetics (formerly Invitae), Labcorp
Classification: Pathogenic for Familial cancer of breast. Last evaluated: 2024-04-22. Review status: criteria provided, single submitter. Criteria: Invitae Variant Classification Sherloc (09022015). Collection method: clinical testing. Allele origin: germline.
Comment: This sequence change creates a premature translational stop signal (p.Lys862Argfs*9) in the PALB2 gene. It is expected to result in an absent or disrupted protein product. Loss-of-function variants in PALB2 are known to be pathogenic (PMID: 17200668, 17200671, 17200672, 24136930, 25099575). This variant is present in population databases (rs752513498, gnomAD 0.003%). This variant has not been reported in the literature in individuals affected with PALB2-related conditions. ClinVar contains an entry for this variant (Variation ID: 1076548). For these reasons, this variant has been classified as Pathogenic.

Myriad Genetics, Inc.
Classification: Pathogenic for Familial cancer of breast. Last evaluated: 2023-09-13. Review status: criteria provided, single submitter. Criteria: Myriad Autosomal Dominant, Autosomal Recessive and X-Linked Classification Criteria (2023). Collection method: clinical testing. Allele origin: unknown.
Comment: This variant is considered pathogenic. This variant creates a frameshift predicted to result in premature protein truncation.

Ambry Genetics
Classification: Pathogenic for Hereditary cancer-predisposing syndrome. Last evaluated: 2023-05-01. Review status: criteria provided, single submitter. Criteria: Ambry Variant Classification Scheme 2023. Collection method: clinical testing. Allele origin: germline.
Comment: The c.2585delA pathogenic mutation, located in coding exon 6 of the PALB2 gene, results from a deletion of one nucleotide at nucleotide position 2585, causing a translational frameshift with a predicted alternate stop codon (p.K862Rfs*9). One study detected this mutation in 0/3030 pancreatic cancer cases and 1/123136 population controls (Hu C et al. JAMA, 2018 Jun;319:2401-2409). In addition to the clinical data presented in the literature, this alteration is expected to result in loss of function by premature protein truncation or nonsense-mediated mRNA decay. As such, this alteration is interpreted as a disease-causing mutation.

GeneID Lab - Advanced Molecular Diagnostics
Classification: Likely pathogenic for Hereditary cancer-predisposing syndrome. Last evaluated: 2018-10-10. Review status: criteria provided, single submitter. Criteria: ACMG Guidelines, 2015. Collection method: clinical testing. Allele origin: germline. Affected: no. Observed: 1 variant allele.
Comment: This variant results in an amino acid alteration, replacing a lysine (K) with an arginine (R) at position 862, creating a premature stop signal in the new reading frame (p.K862Rfs*9). The substitution is predicted to result in a non-functional PALB2 protein, either through protein truncation or nonsense-mediated mRNA decay. This variant is present in the gnomAD exomes database at a frequency of 0.00000398. Based on these findings and the limited literature regarding this substitution we consider it as a “likely pathogenic variant”.

Literature cited by the submitters: PubMed 17200668 (cited by Labcorp Genetics (formerly Invitae), Labcorp); PubMed 17200671 (cited by Labcorp Genetics (formerly Invitae), Labcorp); PubMed 17200672 (cited by Labcorp Genetics (formerly Invitae), Labcorp); PubMed 24136930 (cited by Labcorp Genetics (formerly Invitae), Labcorp); PubMed 25099575 (cited by Labcorp Genetics (formerly Invitae), Labcorp); PubMed 29922827 (cited by Ambry Genetics).